The following is an entry in ClinVar:

ClinVar aggregate classification (germline): Uncertain significance (1 of 4 stars; one submission).

Conditions:
Hereditary pheochromocytoma and paraganglioma. Also called: Hereditary Paraganglioma-Pheochromocytoma Syndromes; Hereditary pheochromocytoma-paraganglioma; Hereditary paragangliomas and pheochromocytomas. Identifiers: Orphanet 29072, MedGen C4274332, MONDO:0017366.

Submission:

Labcorp Genetics (formerly Invitae), Labcorp
Classification: Uncertain significance for Hereditary pheochromocytoma and paraganglioma. Last evaluated: 2024-01-27. Review status: criteria provided, single submitter. Criteria: Invitae Variant Classification Sherloc (09022015). Collection method: clinical testing. Allele origin: germline.
Comment: This sequence change replaces glutamine, which is neutral and polar, with arginine, which is basic and polar, at codon 26 of the TMEM127 protein (p.Gln26Arg). This variant is not present in population databases (gnomAD no frequency). This variant has not been reported in the literature in individuals affected with TMEM127-related conditions. An algorithm developed to predict the effect of missense changes on protein structure and function (PolyPhen-2) suggests that this variant is likely to be disruptive. In summary, the available evidence is currently insufficient to determine the role of this variant in disease. Therefore, it has been classified as a Variant of Uncertain Significance.

NM_017849.4(TMEM127):c.77A>G (p.Gln26Arg)

Genes: TMEM127 (transmembrane protein 127; minus strand), LOC129934333 (ATAC-STARR-seq lymphoblastoid silent region 11759; plus strand). Cytogenetic location: 2q11.2.
Variant type: single nucleotide variant.
Coding change: c.77A>G on transcript NM_017849.4 (MANE Select); coding-DNA position 77, A replaced by G.
Protein change: p.Gln26Arg; replaces glutamine 26 with arginine.
Molecular consequence: missense variant. On other transcripts: intron variant (1).
Genome position (GRCh38, 1-based): chr2:96,265,305, T>C on the plus strand (A>G on the coding strand, the complement: TMEM127 is on the minus strand). VCF-style: chr2-96265305-T-C. GRCh37 (hg19) VCF-style: chr2-96931043-T-C.
Other names: c.77A>G, p.Gln26Arg (NM_001193304.3); c.-9+564A>G (NM_001407283.1); short protein forms Q26R.
Identifiers: ClinVar variation 2724811 (VCV002724811.3), dbSNP rs2467285891, ClinGen allele CA347656160.
Genomic context (GRCh38, chr2:96,265,305, plus strand): 5'-GTGCACAGCGCCGTGATAGACAGGGCGCCAGGCAGGGCCGAGGCCAGGCTACGCTCCGGC[T>C]GCTTGGGCAGAGCGCTGCCTCCCGGGCTCCTCCGCCGGCGCCCGCCGGGCAGCCCTGCGC-3'
Protein context (NP_060319.1, residues 16-36): RSPGGSALPK[Gln26Arg]PERSLASALP